The following is an entry in ClinVar:

NM_053025.4(MYLK):c.*213T>A

Genes: MYLK-AS1 (MYLK antisense RNA 1; plus strand), MYLK (myosin light chain kinase; minus strand). Cytogenetic location: 3q21.1.
Variant type: single nucleotide variant.
Coding change: c.*213T>A on transcript NM_053025.4 (MANE Select); 213 bases downstream of the stop codon, T replaced by A.
Molecular consequence: 3 prime UTR variant.
Genome position (GRCh38, 1-based): chr3:123,613,892, A>T on the plus strand (T>A on the coding strand, the complement: MYLK is on the minus strand). VCF-style: chr3-123613892-A-T. GRCh37 (hg19) VCF-style: chr3-123332739-A-T.
Other names: c.*213T>A (NM_001321309.2, NM_053026.4, NM_053027.4 and 3 more transcripts).
Identifiers: ClinVar variation 342858 (VCV000342858.5), dbSNP rs115815057, ClinGen allele CA10616955.

ClinVar aggregate classification (germline): Likely benign (1 of 4 stars; one submission).

Conditions:
Aortic aneurysm, familial thoracic 7 (AAT7). Also called: AORTIC DISSECTION, FAMILIAL, WITH OR WITHOUT AORTIC ANEURYSM. Identifiers: MedGen C3151077, MONDO:0013418, OMIM 613780.

Allele frequency attached by ClinVar (database versions not stated): gnomAD exomes 0.00105; gnomAD 0.00876 and 0.00946; 1000 Genomes Project 0.00978; TOPMed 0.01040; 1000 Genomes Project 30x 0.01077.
gnomAD v4.1: 1,802 of 587,362 alleles (0.31%); highest among the groups gnomAD compares: African/African-American, 3%; 22 homozygotes.

Submission:

Illumina Laboratory Services, Illumina
Classification: Likely benign for Aortic aneurysm, familial thoracic 7. Last evaluated: 2018-01-13. Review status: criteria provided, single submitter. Criteria: ICSL Variant Classification Criteria 13 December 2019. Collection method: clinical testing. Allele origin: germline.
Comment: This variant was observed in the ICSL laboratory as part of a predisposition screen in an ostensibly healthy population. It had not been previously curated by ICSL or reported in the Human Gene Mutation Database (HGMD: prior to June 1st, 2018), and was therefore a candidate for classification through an automated scoring system. Utilizing variant allele frequency, disease prevalence and penetrance estimates, and inheritance mode, an automated score was calculated to assess if this variant is too frequent to cause the disease. Based on the score and internal cut-off values, a variant classified as likely benign is not then subjected to further curation. The score for this variant resulted in a classification of likely benign for this disease.